The following is an entry in ClinVar:

ClinVar aggregate classification (germline): Uncertain significance. Review status: criteria provided, multiple submitters, no conflicts (2 of 4 stars). 2 submissions from 2 submitters: Uncertain significance (2). Last evaluated 2026-06-24.

Conditions:
SCN11A-related disorder. Also called: SCN11A-related condition.
Hereditary sensory and autonomic neuropathy type 7. Also called: HSAN VII; Neuropathy, hereditary sensory and autonomic, type VII. Identifiers: Orphanet 391397, MedGen C3809882, MONDO:0014244, OMIM 615548.
Familial episodic pain syndrome with predominantly lower limb involvement. Also called: Episodic pain syndrome, familial, 3. Identifiers: Orphanet 391384, Orphanet 391392, MedGen C3809899, MONDO:0014247, OMIM 615552.

Allele frequency attached by ClinVar (database versions not stated): TOPMed 0.00002; gnomAD 0.00004.
gnomAD v4.1: 8 of 1,614,030 alleles (0.0005%); highest among the groups gnomAD compares: African/African-American, 0.011%; no homozygotes.

Submissions (2):

PreventionGenetics, part of Exact Sciences
Classification: Uncertain significance for SCN11A-related condition. Last evaluated: 2026-06-24. Review status: criteria provided, single submitter. Criteria: ACMG Guidelines, 2015. Collection method: clinical testing. Allele origin: germline.
Comment: The SCN11A c.2590C>A variant is predicted to result in the amino acid substitution p.Pro864Thr. To our knowledge, this variant has not been reported in the literature. This variant is reported in 0.023% of alleles in individuals of African descent in gnomAD. At this time, the clinical significance of this variant is uncertain due to the absence of conclusive functional and genetic evidence.

Labcorp Genetics (formerly Invitae), Labcorp
Classification: Uncertain significance for Familial episodic pain syndrome with predominantly lower limb involvement; Hereditary sensory and autonomic neuropathy type 7. Last evaluated: 2021-12-18. Review status: criteria provided, single submitter. Criteria: Invitae Variant Classification Sherloc (09022015). Collection method: clinical testing. Allele origin: germline.
Comment: In summary, the available evidence is currently insufficient to determine the role of this variant in disease. Therefore, it has been classified as a Variant of Uncertain Significance. Algorithms developed to predict the effect of missense changes on protein structure and function are either unavailable or do not agree on the potential impact of this missense change (SIFT: "Tolerated"; PolyPhen-2: "Possibly Damaging"; Align-GVGD: "Class C0"). This variant has not been reported in the literature in individuals affected with SCN11A-related conditions. This variant is present in population databases (no rsID available, gnomAD 0.02%). This sequence change replaces proline, which is neutral and non-polar, with threonine, which is neutral and polar, at codon 864 of the SCN11A protein (p.Pro864Thr).

NM_001349253.2(SCN11A):c.2590C>A (p.Pro864Thr)

Gene: SCN11A (sodium voltage-gated channel alpha subunit 11; minus strand). Cytogenetic location: 3p22.2.
Variant type: single nucleotide variant.
Coding change: c.2590C>A on transcript NM_001349253.2 (MANE Select); coding-DNA position 2590, C replaced by A.
Protein change: p.Pro864Thr; replaces proline 864 with threonine.
Molecular consequence: missense variant.
Genome position (GRCh38, 1-based): chr3:38,894,778, G>T on the plus strand (C>A on the coding strand, the complement: SCN11A is on the minus strand). VCF-style: chr3-38894778-G-T. GRCh37 (hg19) VCF-style: chr3-38936269-G-T.
Other names: c.2590C>A (NM_014139.2); c.2590C>A, p.Pro864Thr (NM_014139.3); short protein forms P864T.
Identifiers: ClinVar variation 2141127 (VCV002141127.5), dbSNP rs749395356, ClinGen allele CA352174808.